The following is an entry in ClinVar:

NM_001387430.1(SH2B1):c.918G>C (p.Leu306=)

Gene: SH2B1 (SH2B adaptor protein 1; plus strand). Cytogenetic location: 16p11.2.
Variant type: single nucleotide variant.
Coding change: c.918G>C on transcript NM_001387430.1 (MANE Select); coding-DNA position 918, G replaced by C.
Protein change: p.Leu306=; no amino-acid change (leucine 306 retained).
Molecular consequence: synonymous variant. On other transcripts: intron variant (1).
Genome position (GRCh38, 1-based): chr16:28,867,012, G>C. VCF-style: chr16-28867012-G-C. GRCh37 (hg19) VCF-style: chr16-28878333-G-C.
Other names: c.918G>C, p.Leu306= (NM_001145795.2, NM_001145796.2, NM_001145797.2 and 4 more transcripts); c.-26-362G>C (NM_001308294.2).
Identifiers: ClinVar variation 3358789 (VCV003358789.1).
Genomic context (GRCh38, chr16:28,867,012, plus strand): 5'-GTGGCAGAAGTGTCGCCTGCTGCTTCGAAGTGAAGGAGAAGGAGGAGGAGGAAGTCGCCT[G>C]GAGTTCTTTGTACCACCCAAGGTGAGGCCCCTTGGAGGGTGGGTGACTGAGAGCAAGTGA-3'
Protein context (NP_001374359.1, residues 296-316): SEGEGGGGSR[Leu306=]EFFVPPKASR

ClinVar aggregate classification (germline): Likely benign (0 of 4 stars; one submission).

Conditions:
SH2B1-related disorder. Also called: SH2B1-related condition.

Submission:

PreventionGenetics, part of Exact Sciences
Classification: Likely benign for SH2B1-related condition. Last evaluated: 2021-02-08. Review status: no assertion criteria provided. Collection method: clinical testing. Allele origin: germline.
Comment: This variant is classified as likely benign based on ACMG/AMP sequence variant interpretation guidelines (Richards et al. 2015 PMID: 25741868, with internal and published modifications).